The following is an entry in ClinVar:

NM_025099.6(CTC1):c.2714G>A (p.Arg905Gln)

Gene: CTC1 (CST telomere replication complex component 1; minus strand). Cytogenetic location: 17p13.1.
Variant type: single nucleotide variant.
Coding change: c.2714G>A on transcript NM_025099.6 (MANE Select); coding-DNA position 2714, G replaced by A.
Protein change: p.Arg905Gln; replaces arginine 905 with glutamine.
Molecular consequence: missense variant. On other transcripts: non-coding transcript variant (1).
Genome position (GRCh38, 1-based): chr17:8,230,607, C>T on the plus strand (G>A on the coding strand, the complement: CTC1 is on the minus strand). VCF-style: chr17-8230607-C-T. GRCh37 (hg19) VCF-style: chr17-8133925-C-T.
Other names: c.2714G>A, p.Arg905Gln (NM_001411067.1); short protein forms R905Q.
Identifiers: ClinVar variation 2040441 (VCV002040441.5), dbSNP rs769633789, ClinGen allele CA8371996.
Genomic context (GRCh38, chr17:8,230,607, plus strand): 5'-AAGGAAGGGTCATTACCCAGTTTCATCCAGAGAGACGCCACAAGGGGTTCACATAGTGTC[C>T]GTGACAAAATCTCAGCGGAGAAAGACACCAAGGAATCTGTGAAACTGGAAGGTCAGGGAA-3'
Protein context (NP_079375.3, residues 895-915): LVSFSAEILS[Arg905Gln]TLCEPLVASL

ClinVar aggregate classification (germline): Uncertain significance. Review status: criteria provided, multiple submitters, no conflicts (2 of 4 stars). 2 submissions from 2 submitters: Uncertain significance (2). Last evaluated 2025-06-12.

Conditions:
Dyskeratosis congenita. Identifiers: Orphanet 1775, MedGen C0265965, MONDO:0015780.

Allele frequency attached by ClinVar (database versions not stated): ExAC 0.00001; gnomAD exomes 0.00001; gnomAD 0.00002; TOPMed 0.00002.
gnomAD v4.1: 21 of 1,613,904 alleles (0.0013%); highest among the groups gnomAD compares: African/African-American, 0.0053%; no homozygotes.

Submissions (2):

Labcorp Genetics (formerly Invitae), Labcorp
Classification: Uncertain significance for Dyskeratosis congenita. Last evaluated: 2025-06-12. Review status: criteria provided, single submitter. Criteria: Invitae Variant Classification Sherloc (09022015). Collection method: clinical testing. Allele origin: germline.
Comment: This sequence change replaces arginine, which is basic and polar, with glutamine, which is neutral and polar, at codon 905 of the CTC1 protein (p.Arg905Gln). This variant is present in population databases (rs769633789, gnomAD 0.003%). This variant has not been reported in the literature in individuals affected with CTC1-related conditions. ClinVar contains an entry for this variant (Variation ID: 2040441). Invitae Evidence Modeling of protein sequence and biophysical properties (such as structural, functional, and spatial information, amino acid conservation, physicochemical variation, residue mobility, and thermodynamic stability) indicates that this missense variant is expected to disrupt CTC1 protein function with a positive predictive value of 80%. Algorithms developed to predict the effect of sequence changes on RNA splicing suggest that this variant may disrupt the consensus splice site. In summary, the available evidence is currently insufficient to determine the role of this variant in disease. Therefore, it has been classified as a Variant of Uncertain Significance.

Blueprint Genetics
Classification: Uncertain significance. Last evaluated: 2024-08-28. Review status: criteria provided, single submitter. Criteria: ACMG Guidelines, 2015. Collection method: clinical testing. Allele origin: germline.